The following is an entry in ClinVar:

ClinVar aggregate classification (germline): Uncertain significance (1 of 4 stars; one submission).

Conditions:
Neurodevelopmental disorder with microcephaly and structural brain anomalies. Identifiers: Orphanet 699844, MedGen C5193123, MONDO:0032779, OMIM 618492.

gnomAD v4.1: 99 of 1,602,166 alleles (0.0062%); highest among the groups gnomAD compares: South Asian, 0.085%; no homozygotes.

Submission:

Dr. Oladnabi Research Group, Golestan University of Medical Sciences
Classification: Uncertain significance for Neurodevelopmental disorder with microcephaly and structural brain anomalies. Review status: criteria provided, single submitter. Criteria: ACMG Guidelines, 2015. Collection method: research. Allele origin: germline. Inheritance: Autosomal recessive inheritance. Affected: yes. Observed: 1 homozygote.
Comment: The novel DYNC1I2 variant (c.1165G>A; p.Val389Ile) results in the substitution of valine by isoleucine at a conserved position within the dynein intermediate chain, a region critical for proper cytoplasmic dynein complex stability and intracellular transport. This residue contributes to the structural integrity of the motor protein complex, and alteration at this site is predicted to affect its normal function. According to the ACMG guidelines, the variant is classified as likely pathogenic, supported by PM2 (Moderate)—as the variant is extremely rare or absent in large population databases such as gnomAD. Biallelic pathogenic variants in DYNC1I2 (OMIM 618492) are an established cause of autosomal recessive neurodevelopmental disorder with microcephaly and structural brain anomalies.

Literature cited by the submitters: DOI 10.1093/brain/awae183.

NM_001378.3(DYNC1I2):c.1165G>A (p.Val389Ile)

Gene: DYNC1I2 (dynein cytoplasmic 1 intermediate chain 2; plus strand). Cytogenetic location: 2q31.1.
Variant type: single nucleotide variant.
Coding change: c.1165G>A on transcript NM_001378.3 (MANE Select); coding-DNA position 1165, G replaced by A.
Protein change: p.Val389Ile; replaces valine 389 with isoleucine.
Molecular consequence: missense variant.
Genome position (GRCh38, 1-based): chr2:171,728,326, G>A. VCF-style: chr2-171728326-G-A. GRCh37 (hg19) VCF-style: chr2-172584836-G-A.
Other names: c.1165G>A, p.Val389Ile (NM_001271785.2); c.1141G>A, p.Val381Ile (NM_001271786.2, NM_001271787.2); c.1087G>A, p.Val363Ile (NM_001271788.2, NM_001271789.2, NM_001271790.2 and 1 more transcripts); c.1147G>A, p.Val383Ile (NM_001320882.2, NM_001320883.2, NM_001378455.1 and 1 more transcripts); short protein forms V363I, V381I, V383I, V389I.
Identifiers: ClinVar variation 4533376 (VCV004533376.1).